The following is an entry in ClinVar:

ClinVar aggregate classification (germline): Pathogenic/Likely pathogenic. Review status: criteria provided, multiple submitters, no conflicts (2 of 4 stars). 9 submissions from 9 submitters: Pathogenic (7); Likely pathogenic (1). 1 of the submissions does not count toward it. Last evaluated 2023-07-01.

Conditions:
Inborn genetic diseases. Identifiers: MedGen C0950123, MeSH D030342.
MEF2C-related disorder. Also called: MEF2C-related condition; MEF2C-related disorders. Identifiers: MedGen CN381096.
Neurodevelopmental disorder with hypotonia, stereotypic hand movements, and impaired language. Also called: Intellectual disability, autosomal dominant 20. Identifiers: Orphanet 228384, Orphanet 664410, MedGen C3150700, MONDO:0013266, OMIM 613443.

Submissions (9):

Division of Human Genetics, National Health Laboratory Service/University of the Witwatersrand
Classification: Pathogenic for Neurodevelopmental disorder with hypotonia, stereotypic hand movements, and impaired language. Last evaluated: 2023-07-01. Review status: criteria provided, single submitter. Criteria: ACMG Guidelines, 2015. Collection method: research. Allele origin: germline. Affected: yes.

Women's Health and Genetics/Laboratory Corporation of America, LabCorp
Classification: Likely pathogenic for Neurodevelopmental disorder with hypotonia, stereotypic hand movements, and impaired language. Last evaluated: 2022-06-17. Review status: criteria provided, single submitter. Criteria: LabCorp Variant Classification Summary - May 2015. Collection method: clinical testing. Allele origin: germline.
Comment: Variant summary: MEF2C c.565C>T (p.Arg189X) results in a premature termination codon, predicted to cause a truncation of the encoded protein or absence of the protein due to nonsense mediated decay, which are commonly known mechanisms for disease. Truncations downstream of this position have been classified as pathogenic within ClinVar (e.g. c.766C>T [p.Arg256Ter]; c.833del [p.Leu277_Leu278insTer]). The variant was absent in 249200 control chromosomes (gnomAD). c.565C>T has been reported in the literature in at least one individual affected with Rett-Like Intellectual Disability (Wang_2018). These data do not allow any conclusion about variant significance. To our knowledge, no experimental evidence demonstrating an impact on protein function has been reported. Three ClinVar submitters have assessed the variant since 2014: all three classified the variant as pathogenic. Based on the evidence outlined above, the variant was classified as likely pathogenic.

Labcorp Genetics (formerly Invitae), Labcorp
Classification: Pathogenic for Neurodevelopmental disorder with hypotonia, stereotypic hand movements, and impaired language. Last evaluated: 2021-09-24. Review status: criteria provided, single submitter. Criteria: Invitae Variant Classification Sherloc (09022015). Collection method: clinical testing. Allele origin: germline.
Comment: This sequence change creates a premature translational stop signal (p.Arg189*) in the MEF2C gene. It is expected to result in an absent or disrupted protein product. Loss-of-function variants in MEF2C are known to be pathogenic (PMID: 20513142). This variant is not present in population databases (ExAC no frequency). This premature translational stop signal has been observed in individual(s) with severe intellectual disability, stereotypic movements and hypotonia (PMID: 30376817). ClinVar contains an entry for this variant (Variation ID: 158886). For these reasons, this variant has been classified as Pathogenic.

Revvity Omics, Revvity
Classification: Pathogenic for Neurodevelopmental disorder with hypotonia, stereotypic hand movements, and impaired language. Last evaluated: 2021-06-11. Review status: criteria provided, single submitter. Criteria: ACMG Guidelines, 2015. Collection method: clinical testing. Allele origin: germline.

GeneDx
Classification: Pathogenic. Last evaluated: 2019-04-22. Review status: criteria provided, single submitter. Criteria: GeneDx Variant Classification Process June 2021. Collection method: clinical testing. Allele origin: germline. Affected: yes.
Comment: Identified in a patient with global developmental delay in published literature (Wang et al., 2018); Not observed in large population cohorts (Lek et al., 2016); Nonsense variant predicted to result in protein truncation or nonsense mediated decay in a gene for which loss-of-function is a known mechanism of disease; This variant is associated with the following publications: (PMID: 30376817, 31512412)

Ambry Genetics
Classification: Pathogenic for Inborn genetic diseases. Last evaluated: 2018-12-10. Review status: criteria provided, single submitter. Criteria: Ambry Variant Classification Scheme 2023. Collection method: clinical testing. Allele origin: germline.
Comment: The p.R189* pathogenic mutation (also known as c.565C>T), located in coding exon 4 of the MEF2C gene, results from a C to T substitution at nucleotide position 565. This changes the amino acid from an arginine to a stop codon within coding exon 4. In addition to the clinical data presented in the literature, this alteration is expected to result in loss of function by premature protein truncation or nonsense-mediated mRNA decay. As such, this alteration is interpreted as a disease-causing mutation.

Courtagen Diagnostics Laboratory, Courtagen Life Sciences
Classification: Pathogenic for Mental retardation, stereotypic movements, epilepsy, and/or cerebral malformations. Last evaluated: 2014-07-09. Review status: criteria provided, single submitter. Criteria: Courtagen Life Sciences Classifications. Collection method: clinical testing. Allele origin: de novo. Affected: yes.

Genetic Services Laboratory, University of Chicago
Classification: Pathogenic for Mental retardation, stereotypic movements, epilepsy, and/or cerebral malformations. Last evaluated: 2014-02-04. Review status: criteria provided, single submitter. Criteria: ACMG Guidelines, 2007. Collection method: clinical testing. Allele origin: germline. Inheritance: Autosomal dominant inheritance. Affected: yes.

PreventionGenetics, part of Exact Sciences
Classification: Pathogenic for MEF2C-related condition. Last evaluated: 2024-05-20. Review status: no assertion criteria provided. Collection method: clinical testing. Allele origin: germline. Not counted in ClinVar's aggregate classification.
Comment: The MEF2C c.565C>T variant is predicted to result in premature protein termination (p.Arg189*). This variant has been reported to be causative for MEF2C-related disorders, and has been documented as a de novo finding in multiple cases (Wang et al. 2018. PubMed ID: 30376817). This variant has not been reported in a large population database, indicating this variant is rare. Nonsense variants in MEF2C are expected to be pathogenic. This variant is interpreted as pathogenic.

Literature cited by the submitters: PubMed 30376817 (cited by 3 submitters); PubMed 31512412 (cited by Women's Health and Genetics/Laboratory Corporation of America, LabCorp); PubMed 20513142 (cited by Labcorp Genetics (formerly Invitae), Labcorp).

NM_002397.5(MEF2C):c.565C>T (p.Arg189Ter)

Gene: MEF2C (myocyte enhancer factor 2C; minus strand). Cytogenetic location: 5q14.3.
Variant type: single nucleotide variant.
Coding change: c.565C>T on transcript NM_002397.5 (MANE Select); coding-DNA position 565, C replaced by T.
Protein change: p.Arg189Ter; replaces arginine 189 with a stop codon.
Molecular consequence: nonsense.
Genome position (GRCh38, 1-based): chr5:88,751,881, G>A on the plus strand (C>T on the coding strand, the complement: MEF2C is on the minus strand). VCF-style: chr5-88751881-G-A. GRCh37 (hg19) VCF-style: chr5-88047698-G-A.
Other names: c.559C>T, p.Arg187Ter (NM_001131005.2, NM_001364352.2, NM_001364343.2); c.619C>T, p.Arg207Ter (NM_001193347.1, NM_001364338.2); c.421C>T, p.Arg141Ter (NM_001193348.1, NM_001193349.3, NM_001364332.2 and 3 more transcripts); c.565C>T, p.Arg189Ter (NM_001193350.2, NM_001308002.3, NM_001363581.2 and 18 more transcripts); c.187C>T, p.Arg63Ter (NM_001364353.2, NM_001364356.2); c.139C>T, p.Arg47Ter (NM_001364357.2); short protein forms R187*, R189*, R141*, R207*, R63*, R47*.
Identifiers: ClinVar variation 158886 (VCV000158886.26), dbSNP rs587783747, ClinGen allele CA172586.
Genomic context (GRCh38, chr5:88,751,881, plus strand): 5'-ACTATTTGTTAGCATTACATCCTTATGAGGACATACCTGTGTTACCTGCACTTGGAGGTC[G>A]ATGTGTTACACCAGGAGACATACTATTCCTCTGCAGAGAAGGGTGAGCCAGTGGCAATAG-3'